The following is an entry in ClinVar:

NM_032131.6(ARMC2):c.2522T>C (p.Phe841Ser)

Gene: ARMC2 (armadillo repeat containing 2; plus strand). Cytogenetic location: 6q21.
Variant type: single nucleotide variant.
Coding change: c.2522T>C on transcript NM_032131.6 (MANE Select); coding-DNA position 2522, T replaced by C.
Protein change: p.Phe841Ser; replaces phenylalanine 841 with serine.
Molecular consequence: missense variant.
Genome position (GRCh38, 1-based): chr6:108,973,432, T>C. VCF-style: chr6-108973432-T-C. GRCh37 (hg19) VCF-style: chr6-109294635-T-C.
Other names: c.2027T>C, p.Phe676Ser (NM_001286609.2); short protein forms F676S, F841S.
Identifiers: ClinVar variation 5019730 (VCV005019730.2).
Genomic context (GRCh38, chr6:108,973,432, plus strand): 5'-TGGATGGCAGTTTTGATCCAGACCTAAAAAACTATCACAAACTCCATTGGGAAACAGAAT[T>C]CAAACCTGTGGCACAGCAGCTTCTAAACCGAATTCAGAGACATCACACCTTCCTGGAACC-3'
Protein context (NP_115507.4, residues 831-851): NYHKLHWETE[Phe841Ser]KPVAQQLLNR

ClinVar aggregate classification (germline): Uncertain significance (1 of 4 stars; one submission).

Conditions:
Spermatogenic failure 38. Identifiers: MedGen C5193095, MONDO:0032748, OMIM 618433.

Submission:

Juno Genomics, Hangzhou Juno Genomics, Inc
Classification: Uncertain significance for Spermatogenic failure 38. Review status: criteria provided, single submitter. Criteria: ACMG Guidelines, 2015. Collection method: clinical testing. Allele origin: germline.
Comment: Absent from controls (or at extremely low frequency if recessive) in Genome Aggregation Database.